The following is an entry in ClinVar:

NM_000059.4(BRCA2):c.3253C>A (p.His1085Asn)

Gene: BRCA2 (BRCA2 DNA repair associated; plus strand). Cytogenetic location: 13q13.1.
Variant type: single nucleotide variant.
Coding change: c.3253C>A on transcript NM_000059.4 (MANE Select); coding-DNA position 3253, C replaced by A.
Protein change: p.His1085Asn; replaces histidine 1085 with asparagine.
Molecular consequence: missense variant. On other transcripts: non-coding transcript variant (1), intron variant (2).
Genome position (GRCh38, 1-based): chr13:32,337,608, C>A. VCF-style: chr13-32337608-C-A. GRCh37 (hg19) VCF-style: chr13-32911745-C-A.
Other names: c.3253C>A, p.His1085Asn (NM_001406719.1, NM_001406720.1, NM_001432077.1); c.1909+4221C>A (NM_001406721.1); c.424+6578C>A (NM_001406722.1); short protein forms H1085N.
Identifiers: ClinVar variation 3688063 (VCV003688063.2).

ClinVar aggregate classification (germline): Uncertain significance (1 of 4 stars; one submission).

Conditions:
Hereditary breast ovarian cancer syndrome. Also called: Hereditary breast and ovarian cancer syndrome (HBOC); BRCA1- and BRCA2-Associated Hereditary Breast and Ovarian Cancer; Breast and ovarian cancer; Hereditary breast and ovarian cancer; Hereditary breast and ovarian cancer syndrome; Hereditary breast and/or ovarian cancer syndrome. Identifiers: Orphanet 145, MedGen C0677776, MeSH D061325, MONDO:0003582. Disease mechanism: loss of function.

gnomAD v4.1: 3 of 1,592,840 alleles (0.00019%); highest among the groups gnomAD compares: Middle Eastern, 0.017%; no homozygotes.

Submission:

Labcorp Genetics (formerly Invitae), Labcorp
Classification: Uncertain significance for Hereditary breast ovarian cancer syndrome. Last evaluated: 2024-03-10. Review status: criteria provided, single submitter. Criteria: Invitae Variant Classification Sherloc (09022015). Collection method: clinical testing. Allele origin: germline.
Comment: This sequence change replaces histidine, which is basic and polar, with asparagine, which is neutral and polar, at codon 1085 of the BRCA2 protein (p.His1085Asn). This variant is not present in population databases (gnomAD no frequency). This variant has not been reported in the literature in individuals affected with BRCA2-related conditions. Advanced modeling of protein sequence and biophysical properties (such as structural, functional, and spatial information, amino acid conservation, physicochemical variation, residue mobility, and thermodynamic stability) performed at Invitae indicates that this missense variant is not expected to disrupt BRCA2 protein function with a negative predictive value of 95%. In summary, the available evidence is currently insufficient to determine the role of this variant in disease. Therefore, it has been classified as a Variant of Uncertain Significance.